The following is an entry in ClinVar:

ClinVar aggregate classification (germline): Conflicting classifications of pathogenicity. Review status: criteria provided, conflicting classifications (1 of 4 stars). 10 submissions from 10 submitters: Uncertain significance (2); Benign (4); Likely benign (1). 3 of the submissions do not count toward it. Last evaluated 2026-02-04.

Conditions:
MMACHC-related disorder. Also called: MMACHC-related condition.
Cobalamin C disease. Also called: Methylmalonic aciduria and homocystinuria, Vitamin B12-responsive; Vitamin B12 metabolic defect with combined deficiency of methylmalonyl-CoA mutase and homocysteine:methyltetrahydrofolate methyltransferase; methylmalonic aciduria and homocystinuria type cblC; Methylmalonic aciduria with homocystinuria cblC type; Cobalamin-C methylmalonic acidemia and homocystinuria; Methylmalonic acidemia and homocystinuria cblC type. Identifiers: Orphanet 26, Orphanet 79282, MedGen C1848561, MONDO:0010184, OMIM 277400.

Allele frequency attached by ClinVar (database versions not stated): TOPMed 0.00028; 1000 Genomes Project 30x 0.00031.
gnomAD v4.1: 372 of 1,613,930 alleles (0.023%); highest among the groups gnomAD compares: Admixed American, 0.61%; 4 homozygotes.

Submissions (10):

Labcorp Genetics (formerly Invitae), Labcorp
Classification: Benign for Cobalamin C disease. Last evaluated: 2026-02-04. Review status: criteria provided, single submitter. Criteria: Invitae Variant Classification Sherloc (09022015). Collection method: clinical testing. Allele origin: germline.

Revvity Omics, Revvity
Classification: Uncertain significance for Cobalamin C disease. Last evaluated: 2023-03-30. Review status: criteria provided, single submitter. Criteria: ACMG Guidelines, 2015. Collection method: clinical testing. Allele origin: germline.

Mayo Clinic Laboratories, Mayo Clinic
Classification: Benign. Last evaluated: 2023-02-01. Review status: criteria provided, single submitter. Criteria: ACMG Guidelines, 2015. Collection method: clinical testing. Allele origin: germline. Observed: 6 variant alleles.
Comment: BS1, BS2, PM4

Women's Health and Genetics/Laboratory Corporation of America, LabCorp
Classification: Benign. Last evaluated: 2022-02-24. Review status: criteria provided, single submitter. Criteria: LabCorp Variant Classification Summary - May 2015. Collection method: clinical testing. Allele origin: germline.
Comment: Variant summary: MMACHC c.848G>T (p.X283LeuextX14) changes the termination codon and is predicted to lead to an extended protein with additional amino acids added to the normal C-terminus. MMACHC c.848G>T (p.X283LeuextX14) causes a frameshift which results in an extension of the protein. The variant allele was found at a frequency of 0.0011 in 248412 control chromosomes, predominantly at a frequency of 0.008 within the Latino subpopulation in the gnomAD database, including 4 homozygotes. The observed variant frequency within Latino control individuals in the gnomAD database is approximately 3 fold of the estimated maximal expected allele frequency for a pathogenic variant in MMACHC causing Methylmalonic Acidemia With Homocystinuria phenotype (0.0032), strongly suggesting that the variant is a benign polymorphism found primarily in populations of Latino origin. To our knowledge, no occurrence of c.848G>T in individuals affected with Methylmalonic Acidemia With Homocystinuria and no experimental evidence demonstrating its impact on protein function have been reported. Five ClinVar submitters (evaluation after 2014) cite the variant as benign (n=3) and uncertain significance (n=2). Based on the evidence outlined above, the variant was classified as benign.

Department of Pathology and Laboratory Medicine, Sinai Health System
Classification: Likely benign for Cobalamin C disease. Last evaluated: 2022-02-17. Review status: criteria provided, single submitter. Criteria: ACMG Guidelines, 2015. Collection method: research. Allele origin: germline.

GeneDx
Classification: Benign. Last evaluated: 2021-02-08. Review status: criteria provided, single submitter. Criteria: GeneDx Variant Classification Process June 2021. Collection method: clinical testing. Allele origin: germline. Affected: yes.

Eurofins Ntd Llc (ga)
Classification: Uncertain significance. Last evaluated: 2015-01-26. Review status: criteria provided, single submitter. Criteria: EGL Classification Definitions 2015. Collection method: clinical testing. Allele origin: germline. Observed: 2 variant alleles, 2 heterozygotes.

Natera, Inc.
Classification: Benign for Methylmalonic aciduria with homocystinuria cblC type. Last evaluated: 2020-04-30. Review status: no assertion criteria provided. Collection method: clinical testing. Allele origin: germline. Not counted in ClinVar's aggregate classification.

PreventionGenetics, part of Exact Sciences
Classification: Likely benign for MMACHC-related condition. Last evaluated: 2019-09-23. Review status: no assertion criteria provided. Collection method: clinical testing. Allele origin: germline. Not counted in ClinVar's aggregate classification.
Comment: This variant is classified as likely benign based on ACMG/AMP sequence variant interpretation guidelines (Richards et al. 2015 PMID: 25741868, with internal and published modifications).

Counsyl
Classification: Uncertain significance for Cobalamin C disease. Last evaluated: 2017-01-10. Review status: no assertion criteria provided. Collection method: clinical testing. Allele origin: unknown. Not counted in ClinVar's aggregate classification.

NM_015506.3(MMACHC):c.848G>T (p.Ter283Leu)

Gene: MMACHC (metabolism of cobalamin associated C; plus strand). Cytogenetic location: 1p34.1.
Variant type: single nucleotide variant.
Coding change: c.848G>T on transcript NM_015506.3 (MANE Select); coding-DNA position 848, G replaced by T.
Protein change: p.Ter283Leu.
Molecular consequence: stop lost.
Genome position (GRCh38, 1-based): chr1:45,509,214, G>T. VCF-style: chr1-45509214-G-T. GRCh37 (hg19) VCF-style: chr1-45974886-G-T.
Other names: *283L; *226L; p.*283Leue*t*14; c.677G>T, p.Ter226Leu (NM_001330540.2).
Identifiers: ClinVar variation 197306 (VCV000197306.29), dbSNP rs201025783, ClinGen allele CA245353.
Genomic context (GRCh38, chr1:45,509,214, plus strand): 5'-CCAGCAGAGCCCGGAGCTGGCTCAGCCCCAGGGTCTCACCACCTGCATCCCCTGGCCCTT[G>T]ATTTTCTCCCATGTGGACCCTGATTTATGGTGGTACTTGCTAGGACTTAATTGGCTTTGG-3'